The following is an entry in ClinVar:

NM_001039141.3(TRIOBP):c.4135C>T (p.Pro1379Ser)

Gene: TRIOBP (TRIO and F-actin binding protein; plus strand). Cytogenetic location: 22q13.1.
Variant type: single nucleotide variant.
Coding change: c.4135C>T on transcript NM_001039141.3 (MANE Select); coding-DNA position 4135, C replaced by T.
Protein change: p.Pro1379Ser; replaces proline 1379 with serine.
Molecular consequence: missense variant.
Genome position (GRCh38, 1-based): chr22:37,734,471, C>T. VCF-style: chr22-37734471-C-T. GRCh37 (hg19) VCF-style: chr22-38130478-C-T.
Other names: short protein forms P1379S.
Identifiers: ClinVar variation 179776 (VCV000179776.5), dbSNP rs727505118, ClinGen allele CA185109.

ClinVar aggregate classification (germline): Likely benign (1 of 4 stars; one submission).

Allele frequency attached by ClinVar (database versions not stated): gnomAD exomes below 0.00001; TOPMed below 0.00001; gnomAD 0.00001.
gnomAD v4.1: 4 of 1,612,694 alleles (0.00025%); highest among the groups gnomAD compares: Admixed American, 0.0017%; no homozygotes.

Submission:

Laboratory for Molecular Medicine, Mass General Brigham Personalized Medicine
Classification: Likely benign. Last evaluated: 2014-05-15. Review status: criteria provided, single submitter. Criteria: LMM Criteria. Collection method: clinical testing. Allele origin: germline. Observed: 1 variant allele.
Comment: Pro1379Ser variant in exon 9 of TRIOBP: This variant is not expected to have cli nical significance due to a lack of conservation across species, including mamma ls. Of note, three mammals (Egyptian jerboa, cape golden mole, and wallaby) have a serine (Ser) at this position despite high nearby amino acid conservation. In addition, computational analyses do not suggest a high likelihood of impact to the protein.